The following is an entry in ClinVar:

ClinVar aggregate classification (germline): Uncertain significance (1 of 4 stars; one submission).

Conditions:
Hypophosphatasia. Also called: Phosphoethanol-aminuria. Identifiers: Orphanet 436, MedGen C0020630, MeSH D007014, MONDO:0018570.

Submission:

Genomenon, Inc
Classification: Uncertain significance for Hypophosphatasia. Last evaluated: 2026-09-01. Review status: criteria provided, single submitter. Criteria: Genomenon Sequence Variant Interpretation Standards - Updated. Collection method: curation. Allele origin: germline. Affected: yes.
Comment: ALPL c.793-3T>G is an intronic variant located in the acceptor splice region of intron 7. This variant has been observed in at least one proband affected with an ALPL-related disorder (PMID:41608645). It is absent or not present at a significant frequency in gnomAD. In silico models predict that this variant is possibly or probably damaging. In conclusion, we classify ALPL c.793-3T>G as a variant of uncertain significance.

Literature cited by the submitters: PubMed 41608645.

NM_000478.6(ALPL):c.793-3T>G

Gene: ALPL (alkaline phosphatase, biomineralization associated; plus strand). Cytogenetic location: 1p36.12.
Variant type: single nucleotide variant.
Coding change: c.793-3T>G on transcript NM_000478.6 (MANE Select); 3 bases into the intron before coding-DNA position 793, T replaced by G.
Molecular consequence: intron variant.
Genome position (GRCh38, 1-based): chr1:21,570,302, T>G. VCF-style: chr1-21570302-T-G. GRCh37 (hg19) VCF-style: chr1-21896795-T-G.
Other names: c.793-3T>G (NM_001369805.2, NM_001369804.2, NM_001369803.2); c.628-3T>G (NM_001127501.4); c.562-3T>G (NM_001177520.3).
Identifiers: ClinVar variation 4974818 (VCV004974818.1).